The following is an entry in ClinVar:

NM_033637.4(BTRC):c.256C>T (p.Leu86Phe)

Gene: BTRC (beta-transducin repeat containing E3 ubiquitin protein ligase; plus strand). Cytogenetic location: 10q24.32.
Variant type: single nucleotide variant.
Coding change: c.256C>T on transcript NM_033637.4 (MANE Select); coding-DNA position 256, C replaced by T.
Protein change: p.Leu86Phe; replaces leucine 86 with phenylalanine.
Molecular consequence: missense variant.
Genome position (GRCh38, 1-based): chr10:101,479,389, C>T. VCF-style: chr10-101479389-C-T. GRCh37 (hg19) VCF-style: chr10-103239146-C-T.
Other names: c.178C>T, p.Leu60Phe (NM_001256856.2); c.148C>T, p.Leu50Phe (NM_003939.5); short protein forms L60F, L50F, L86F.
Identifiers: ClinVar variation 2085525 (VCV002085525.6), dbSNP rs144139485, ClinGen allele CA5655931.

ClinVar aggregate classification (germline): Uncertain significance. Review status: criteria provided, multiple submitters, no conflicts (2 of 4 stars). 2 submissions from 2 submitters: Uncertain significance (2). Last evaluated 2025-08-18.

Allele frequency attached by ClinVar (database versions not stated): TOPMed 0.00009; gnomAD 0.00011; ESP Exome Variant Server 0.00015; gnomAD exomes 0.00028; ExAC 0.00041.

Submissions (2):

Labcorp Genetics (formerly Invitae), Labcorp
Classification: Uncertain significance. Last evaluated: 2025-08-18. Review status: criteria provided, single submitter. Criteria: Invitae Variant Classification Sherloc (09022015). Collection method: clinical testing. Allele origin: germline.
Comment: This sequence change replaces leucine, which is neutral and non-polar, with phenylalanine, which is neutral and non-polar, at codon 86 of the BTRC protein (p.Leu86Phe). This variant is present in population databases (rs144139485, gnomAD 0.05%), and has an allele count higher than expected for a pathogenic variant. This variant has not been reported in the literature in individuals affected with BTRC-related conditions. ClinVar contains an entry for this variant (Variation ID: 2085525). An algorithm developed to predict the effect of missense changes on protein structure and function (PolyPhen-2) suggests that this variant is likely to be tolerated. In summary, the available evidence is currently insufficient to determine the role of this variant in disease. Therefore, it has been classified as a Variant of Uncertain Significance.

Ambry Genetics
Classification: Uncertain significance. Last evaluated: 2024-04-29. Review status: criteria provided, single submitter. Criteria: Ambry Variant Classification Scheme 2023. Collection method: clinical testing. Allele origin: germline.